The following is an entry in ClinVar:

NM_018489.3(ASH1L):c.633T>A (p.Asn211Lys)

Gene: ASH1L (ASH1 like histone lysine methyltransferase; minus strand). Cytogenetic location: 1q22.
Variant type: single nucleotide variant.
Coding change: c.633T>A on transcript NM_018489.3 (MANE Select); coding-DNA position 633, T replaced by A.
Protein change: p.Asn211Lys; replaces asparagine 211 with lysine.
Molecular consequence: missense variant.
Genome position (GRCh38, 1-based): chr1:155,482,237, A>T on the plus strand (T>A on the coding strand, the complement: ASH1L is on the minus strand). VCF-style: chr1-155482237-A-T. GRCh37 (hg19) VCF-style: chr1-155452028-A-T.
Other names: c.633T>A, p.Asn211Lys (NM_001366177.2); short protein forms N211K.
Identifiers: ClinVar variation 3903019 (VCV003903019.1).

ClinVar aggregate classification (germline): Uncertain significance (1 of 4 stars; one submission).

Submission:

GeneDx
Classification: Uncertain significance. Last evaluated: 2024-12-15. Review status: criteria provided, single submitter. Criteria: GeneDx Variant Classification Process June 2021. Collection method: clinical testing. Allele origin: germline. Affected: yes.
Comment: Not observed at significant frequency in large population cohorts (gnomAD); In silico analysis indicates that this missense variant does not alter protein structure/function; Has not been previously published as pathogenic or benign to our knowledge